The following is an entry in ClinVar:

ClinVar aggregate classification (germline): Uncertain significance (1 of 4 stars; one submission).

Allele frequency attached by ClinVar (database versions not stated): gnomAD 0.00001.
gnomAD v4.1: 8 of 1,613,990 alleles (0.0005%); highest among the groups gnomAD compares: Non-Finnish European, 0.00059%; no homozygotes.

Submission:

Women's Health and Genetics/Laboratory Corporation of America, LabCorp
Classification: Uncertain significance. Last evaluated: 2023-11-24. Review status: criteria provided, single submitter. Criteria: LabCorp Variant Classification Summary - May 2015. Collection method: clinical testing. Allele origin: germline.
Comment: Variant summary: SPTBN1 c.220C>T (p.Arg74Trp) results in a non-conservative amino acid change located in the Calponin homology domain (IPR001715) of the encoded protein sequence. Five of five in-silico tools predict a damaging effect of the variant on protein function. The variant allele was found at a frequency of 4e-06 in 251456 control chromosomes. The available data on variant occurrences in the general population are insufficient to allow any conclusion about variant significance. To our knowledge, no occurrence of c.220C>T in individuals affected with Developmental Delay, Impaired Speech, And Behavioral Abnormalities and no experimental evidence demonstrating its impact on protein function have been reported. No submitters have cited clinical-significance assessments for this variant to ClinVar after 2014. Based on the evidence outlined above, the variant was classified as uncertain significance.

NM_003128.3(SPTBN1):c.220C>T (p.Arg74Trp)

Gene: SPTBN1 (spectrin beta, non-erythrocytic 1; plus strand). Cytogenetic location: 2p16.2.
Variant type: single nucleotide variant.
Coding change: c.220C>T on transcript NM_003128.3 (MANE Select); coding-DNA position 220, C replaced by T.
Protein change: p.Arg74Trp; replaces arginine 74 with tryptophan.
Molecular consequence: missense variant.
Genome position (GRCh38, 1-based): chr2:54,599,163, C>T. VCF-style: chr2-54599163-C-T. GRCh37 (hg19) VCF-style: chr2-54826300-C-T.
Other names: c.181C>T, p.Arg61Trp (NM_178313.3); short protein forms R61W, R74W.
Identifiers: ClinVar variation 2682266 (VCV002682266.1), dbSNP rs1377569267, ClinGen allele CA346855403.